The following is an entry in ClinVar:

NC_000005.9:g.(?_70895466)_(70900315_?)del

Gene: MCCC2 (methylcrotonyl-CoA carboxylase subunit 2; plus strand). Cytogenetic location: 5q13.2.
Variant type: Deletion.
Identifiers: ClinVar variation 3246357 (VCV003246357.1).

ClinVar aggregate classification (germline): Pathogenic (1 of 4 stars; one submission).

Conditions:
3-methylcrotonyl-CoA carboxylase 2 deficiency. Also called: 3 alpha methylcrotonyl-CoA carboxylase 2 deficiency; 3 alpha methylcrotonylglycinuria 2; MCC 2 deficiency; Methylcrotonylglycinuria type 2; METHYLCROTONYLGLYCINURIA, TYPE II. Identifiers: Orphanet 6, MedGen C1859499, MONDO:0008862, OMIM 210210.

Submission:

Labcorp Genetics (formerly Invitae), Labcorp
Classification: Pathogenic for 3-methylcrotonyl-CoA carboxylase 2 deficiency. Last evaluated: 2023-04-27. Review status: criteria provided, single submitter. Criteria: Invitae Variant Classification Sherloc (09022015). Collection method: clinical testing. Allele origin: unknown.
Comment: For these reasons, this variant has been classified as Pathogenic. This variant has not been reported in the literature in individuals affected with MCCC2-related conditions. This variant is a gross deletion of the genomic region encompassing exon(s) 4-6 of the MCCC2 gene. This deletion is out-of-frame, and is expected to create a premature termination codon and result in an absent or disrupted protein product. Loss-of-function variants in MCCC2 are known to be pathogenic (PMID: 11181649, 22642865).

Literature cited by the submitters: PubMed 11181649; PubMed 22642865.